The following is an entry in ClinVar:

ClinVar aggregate classification (germline): Pathogenic (1 of 4 stars; one submission).

Conditions:
Nemaline myopathy 5 (NEM5A). Also called: NEMALINE MYOPATHY 5A, AUTOSOMAL RECESSIVE, SEVERE INFANTILE; Nemaline myopathy 5, Amish type; NEMALINE MYOPATHY, AMISH TYPE. Identifiers: Orphanet 98902, MedGen C1854380, MONDO:0011539, OMIM 605355.

gnomAD v4.1: 1 of 1,614,200 alleles (0.000062%); highest among the groups gnomAD compares: South Asian, 0.0011%; no homozygotes.

Submission:

Labcorp Genetics (formerly Invitae), Labcorp
Classification: Pathogenic for Nemaline myopathy 5. Last evaluated: 2023-07-17. Review status: criteria provided, single submitter. Criteria: Invitae Variant Classification Sherloc (09022015). Collection method: clinical testing. Allele origin: germline.
Comment: For these reasons, this variant has been classified as Pathogenic. ClinVar contains an entry for this variant (Variation ID: 1456474). This variant has not been reported in the literature in individuals affected with TNNT1-related conditions. This variant is not present in population databases (gnomAD no frequency). This sequence change creates a premature translational stop signal (p.Glu139*) in the TNNT1 gene. It is expected to result in an absent or disrupted protein product. Loss-of-function variants in TNNT1 are known to be pathogenic (PMID: 10952871, 24689076, 25430424).

Literature cited by the submitters: PubMed 10952871; PubMed 24689076; PubMed 25430424.

NM_003283.6(TNNT1):c.415G>T (p.Glu139Ter)

Gene: TNNT1 (troponin T1, slow skeletal type; minus strand). Cytogenetic location: 19q13.42.
Variant type: single nucleotide variant.
Coding change: c.415G>T on transcript NM_003283.6 (MANE Select); coding-DNA position 415, G replaced by T.
Protein change: p.Glu139Ter; replaces glutamic acid 139 with a stop codon.
Molecular consequence: nonsense.
Genome position (GRCh38, 1-based): chr19:55,138,047, C>A on the plus strand (G>T on the coding strand, the complement: TNNT1 is on the minus strand). VCF-style: chr19-55138047-C-A. GRCh37 (hg19) VCF-style: chr19-55649415-C-A.
Other names: c.415G>T, p.Glu139Ter (NM_001126132.3); c.382G>T, p.Glu128Ter (NM_001126133.3, NM_001291774.2); short protein forms E128*, E139*.
Identifiers: ClinVar variation 1456474 (VCV001456474.6), dbSNP rs1250741190, ClinGen allele CA407433942.